The following is an entry in ClinVar:

ClinVar aggregate classification (germline): Uncertain significance (1 of 4 stars; one submission).

gnomAD v4.1: 21 of 1,614,038 alleles (0.0013%); highest among the groups gnomAD compares: Admixed American, 0.0017%; no homozygotes.

Submission:

Labcorp Genetics (formerly Invitae), Labcorp
Classification: Uncertain significance. Last evaluated: 2025-03-31. Review status: criteria provided, single submitter. Criteria: Invitae Variant Classification Sherloc (09022015). Collection method: clinical testing. Allele origin: germline.
Comment: This sequence change replaces alanine, which is neutral and non-polar, with valine, which is neutral and non-polar, at codon 1418 of the NLRP1 protein (p.Ala1418Val). This variant is present in population databases (rs377020538, gnomAD 0.005%). This variant has not been reported in the literature in individuals affected with NLRP1-related conditions. An algorithm developed to predict the effect of missense changes on protein structure and function outputs the following: PolyPhen-2: "Probably Damaging". The valine amino acid residue is found in multiple mammalian species, which suggests that this missense change does not adversely affect protein function. In summary, the available evidence is currently insufficient to determine the role of this variant in disease. Therefore, it has been classified as a Variant of Uncertain Significance.

NM_033004.4(NLRP1):c.4253C>T (p.Ala1418Val)

Gene: NLRP1 (NLR family pyrin domain containing 1; minus strand). Cytogenetic location: 17p13.2.
Variant type: single nucleotide variant.
Coding change: c.4253C>T on transcript NM_033004.4 (MANE Select); coding-DNA position 4253, C replaced by T.
Protein change: p.Ala1418Val; replaces alanine 1418 with valine.
Molecular consequence: missense variant. On other transcripts: intron variant (1).
Genome position (GRCh38, 1-based): chr17:5,514,923, G>A on the plus strand (C>T on the coding strand, the complement: NLRP1 is on the minus strand). VCF-style: chr17-5514923-G-A. GRCh37 (hg19) VCF-style: chr17-5418243-G-A.
Other names: c.4121C>T, p.Ala1374Val (NM_014922.5); c.4163C>T, p.Ala1388Val (NM_033006.4); c.4031C>T, p.Ala1344Val (NM_033007.4); c.4069+2823C>T (NM_001033053.3); short protein forms A1344V, A1374V, A1388V, A1418V.
Identifiers: ClinVar variation 3618066 (VCV003618066.2).